The following is an entry in ClinVar:

ClinVar aggregate classification (germline): Benign (1 of 4 stars; one submission).

Allele frequency attached by ClinVar (database versions not stated): gnomAD 0.10190 and 0.10468; 1000 Genomes Project 0.10543; 1000 Genomes Project 30x 0.10868; TOPMed 0.11030.
gnomAD v4.1: 15,393 of 151,786 alleles (10%); highest among the groups gnomAD compares: African/African-American, 24%; 1,313 homozygotes.

Submission:

GeneDx
Classification: Benign. Last evaluated: 2018-06-14. Review status: criteria provided, single submitter. Criteria: GeneDx Variant Classification (06012015). Collection method: clinical testing. Allele origin: germline. Affected: yes.
Comment: This variant is considered likely benign or benign based on one or more of the following criteria: it is a conservative change, it occurs at a poorly conserved position in the protein, it is predicted to be benign by multiple in silico algorithms, and/or has population frequency not consistent with disease.

NM_022455.5(NSD1):c.1237-246G>A

Gene: NSD1 (nuclear receptor binding SET domain protein 1; plus strand). Cytogenetic location: 5q35.3.
Variant type: single nucleotide variant.
Coding change: c.1237-246G>A on transcript NM_022455.5 (MANE Select); 246 bases into the intron before coding-DNA position 1237, G replaced by A.
Molecular consequence: intron variant.
Genome position (GRCh38, 1-based): chr5:177,209,390, G>A. VCF-style: chr5-177209390-G-A. GRCh37 (hg19) VCF-style: chr5-176636391-G-A.
Other names: c.1237-246G>A (NM_001409301.1, NM_001409302.1, NM_001409303.1); c.817-246G>A (NM_001409304.1); c.484-246G>A (NM_001409305.1); c.364-246G>A (NM_001409306.1, NM_001409308.1, NM_001409307.1 and 3 more transcripts).
Identifiers: ClinVar variation 667730 (VCV000667730.1), dbSNP rs141260503, ClinGen allele CA12092006.